The following is an entry in ClinVar:

ClinVar aggregate classification (germline): Pathogenic (1 of 4 stars; one submission).

Conditions:
Sandhoff disease. Also called: Beta-hexosaminidase-beta-subunit deficiency; GM2 gangliosidosis, type 2; Total hexosaminidase deficiency; Sandhoff-Jatzkewitz-Pilz disease; HEXOSAMINIDASES A AND B DEFICIENCY; GM2-GANGLIOSIDOSIS, TYPE II. Identifiers: Orphanet 796, MedGen C0036161, MONDO:0010006, OMIM 268800.

Submission:

Labcorp Genetics (formerly Invitae), Labcorp
Classification: Pathogenic for Sandhoff disease. Last evaluated: 2024-09-03. Review status: criteria provided, single submitter. Criteria: Invitae Variant Classification Sherloc (09022015). Collection method: clinical testing. Allele origin: germline.
Comment: This sequence change creates a premature translational stop signal (p.Gly258Glufs*17) in the HEXB gene. It is expected to result in an absent or disrupted protein product. Loss-of-function variants in HEXB are known to be pathogenic (PMID: 7550345, 18758829). This variant is not present in population databases (gnomAD no frequency). This premature translational stop signal has been observed in individual(s) with Sandhoff disease (PMID: 1532910). ClinVar contains an entry for this variant (Variation ID: 964994). Algorithms developed to predict the effect of sequence changes on RNA splicing suggest that this variant may disrupt the consensus splice site. For these reasons, this variant has been classified as Pathogenic.

Literature cited by the submitters: PubMed 7550345; PubMed 18758829; PubMed 1532910.

NC_000005.10:g.74713507del

Gene: HEXB (hexosaminidase subunit beta; plus strand). Cytogenetic location: 5q13.3.
Variant type: Deletion.
Genome position: GRCh38 VCF-style: chr5-74713504-AG-A. GRCh37 (hg19) VCF-style: chr5-74009329-AG-A.
Identifiers: ClinVar variation 964994 (VCV000964994.11), dbSNP rs1373278959, ClinGen allele CA813917175.